The following is an entry in ClinVar:

NM_201253.3(CRB1):c.132dup (p.Cys45fs)

Gene: CRB1 (crumbs cell polarity complex component 1; plus strand). Cytogenetic location: 1q31.3.
Variant type: Duplication.
Coding change: c.132dup on transcript NM_201253.3 (MANE Select); coding-DNA position 132, one base duplicated (A; older notation c.132dupA).
Protein change: p.Cys45fs; shifts the reading frame from cysteine 45.
Molecular consequence: frameshift variant. On other transcripts: 5 prime UTR variant (1), non-coding transcript variant (2).
Genome position (GRCh38, 1-based): chr1:197,328,483, A duplicated. VCF-style (leftmost placement, unchanged base first): chr1-197328482-C-CA. GRCh37 (hg19) VCF-style: chr1-197297612-C-CA.
Other names: c.132dup, p.Cys45fs (NM_001193640.2, NM_001257966.2); c.-76dup (NM_001257965.2); short protein forms C45fs.
Identifiers: ClinVar variation 1333701 (VCV001333701.1), dbSNP rs2125303667, ClinGen allele CA2573051457.

ClinVar aggregate classification (germline): Likely pathogenic (1 of 4 stars; one submission).

Conditions:
Leber congenital amaurosis 8 (LCA8). Identifiers: Orphanet 65, MedGen C3151202, MONDO:0013453, OMIM 613835.

Submission:

3billion
Classification: Likely pathogenic for Leber congenital amaurosis 8. Last evaluated: 2022-01-03. Review status: criteria provided, single submitter. Criteria: ACMG Guidelines, 2015. Collection method: clinical testing. Allele origin: germline. Affected: yes. Observed: 1 heterozygote.
Comment: Frameshift: predicted to result in a loss or disruption of normal protein function through nonsense-mediated decay (NMD) or protein truncation. Multiple pathogenic variants are reported downstream of the variant (PVS1_VS). It is not observed in the gnomAD v2.1.1 dataset (PM2_M). Therefore, this variant is classified as likely pathogenic according to the recommendation of ACMG/AMP guideline.